The following is an entry in ClinVar:

NM_024063.3(AFG2B):c.196G>T (p.Asp66Tyr)

Genes: AFG2B (AFG2 AAA ATPase homolog B; plus strand), LOC130056997 (ATAC-STARR-seq lymphoblastoid silent region 6407; plus strand). Cytogenetic location: 15q21.1.
Variant type: single nucleotide variant.
Coding change: c.196G>T on transcript NM_024063.3 (MANE Select); coding-DNA position 196, G replaced by T.
Protein change: p.Asp66Tyr; replaces aspartic acid 66 with tyrosine.
Molecular consequence: missense variant. On other transcripts: non-coding transcript variant (5).
Genome position (GRCh38, 1-based): chr15:45,402,625, G>T. VCF-style: chr15-45402625-G-T. GRCh37 (hg19) VCF-style: chr15-45694823-G-T.
Other names: c.196G>T, p.Asp66Tyr (NM_001323640.2); short protein forms D66Y.
Identifiers: ClinVar variation 1275859 (VCV001275859.1), dbSNP rs1220970567, ClinGen allele CA392258978.
Genomic context (GRCh38, chr15:45,402,625, plus strand): 5'-GCAGTGAAGATCTCGCTACCCGACGGCGGCTCCTGCCTCTGCACTGCCTGGCCTCGGCGG[G>T]ACGGAGCGGACGGCTTTGTGCAGCTGGACCCGCTGTGCGCGAGCCCCGGGGCGGCGGTCG-3'
Protein context (NP_076968.2, residues 56-76): SCLCTAWPRR[Asp66Tyr]GADGFVQLDP

ClinVar aggregate classification (germline): Uncertain significance (1 of 4 stars; one submission).

gnomAD v4.1: 4 of 1,576,614 alleles (0.00025%); highest among the groups gnomAD compares: Non-Finnish European, 0.00034%; no homozygotes.

Submission:

GeneDx
Classification: Uncertain significance. Last evaluated: 2021-07-23. Review status: criteria provided, single submitter. Criteria: GeneDx Variant Classification Process June 2021. Collection method: clinical testing. Allele origin: germline. Affected: yes.
Comment: In silico analysis supports that this missense variant has a deleterious effect on protein structure/function; In addition, in silico splice predictors suggest this variant may lead to abnormal gene splicing. However, in the absence of RNA/functional studies, the actual effect of this sequence change is unknown; Not observed at significant frequency in large population cohorts (Lek et al., 2016)